The following is an entry in ClinVar:

ClinVar aggregate classification (germline): Uncertain significance (1 of 4 stars; one submission).

Conditions:
Werner syndrome (WRN). Identifiers: Orphanet 902, MedGen C0043119, MONDO:0010196, OMIM 277700.

Submission:

Labcorp Genetics (formerly Invitae), Labcorp
Classification: Uncertain significance for Werner syndrome. Last evaluated: 2022-05-25. Review status: criteria provided, single submitter. Criteria: Invitae Variant Classification Sherloc (09022015). Collection method: clinical testing. Allele origin: germline.
Comment: In summary, the available evidence is currently insufficient to determine the role of this variant in disease. Therefore, it has been classified as a Variant of Uncertain Significance. This variant has not been reported in the literature in individuals affected with WRN-related conditions. This variant is not present in population databases (gnomAD no frequency). This variant, c.1264_1266del, results in the deletion of 1 amino acid(s) of the WRN protein (p.Thr422del), but otherwise preserves the integrity of the reading frame.

NM_000553.6(WRN):c.1264_1266del (p.Thr422del)

Gene: WRN (WRN RecQ like helicase; plus strand). Cytogenetic location: 8p12.
Variant type: Deletion.
Coding change: c.1264_1266del on transcript NM_000553.6 (MANE Select); coding-DNA positions 1264 to 1266, 3 bases deleted (ACT; older notation c.1264_1266delACT).
Protein change: p.Thr422del; deletes threonine 422.
Molecular consequence: inframe deletion.
Genome position (GRCh38, 1-based): chr8:31,081,291-31,081,293, ACT deleted; deleting any 3 consecutive bases within chr8:31,081,289-31,081,293 gives the same sequence; the c. name uses the placement nearest the transcript's 3' end. VCF-style (leftmost placement, unchanged base first): chr8-31081288-TCTA-T. GRCh37 (hg19) VCF-style: chr8-30938804-TCTA-T.
Other names: short protein forms T422del.
Identifiers: ClinVar variation 1998889 (VCV001998889.4), dbSNP rs2535911612, ClinGen allele CA2580078206.
Genomic context (GRCh38, chr8:31,081,288, plus strand): 5'-GAACTCCAAATTTTGGAACAGCAGTCTCAGGAAGAATATCTTAGTGATATTGCTTATAAA[TCTA>T]CTGAGGTACTAAATAAAGAGGAAGCACATTTTTAGTTATTAGTAGGTTCTGGCAGACTTT-3'